The following is an entry in ClinVar:

NM_000136.3(FANCC):c.1199del (p.Phe400fs)

Genes: AOPEP (aminopeptidase O (putative); plus strand), FANCC (FA complementation group C; minus strand). Cytogenetic location: 9q22.32.
Variant type: Deletion.
Coding change: c.1199del on transcript NM_000136.3 (MANE Select); coding-DNA position 1199, one base deleted (T; older notation c.1199delT).
Protein change: p.Phe400fs; shifts the reading frame from phenylalanine 400.
Molecular consequence: frameshift variant.
Genome position (GRCh38, 1-based): chr9:95,111,593, A deleted on the plus strand (T on the coding strand, the reverse complement: FANCC is on the minus strand); the first of 2 consecutive A bases (chr9:95,111,593-95,111,594); deleting either gives the same sequence. VCF-style (leftmost placement, unchanged base first): chr9-95111592-GA-G. GRCh37 (hg19) VCF-style: chr9-97873874-GA-G.
Other names: c.1199del, p.Phe400fs (NM_001243743.2, NM_001243744.2); short protein forms F400fs.
Identifiers: ClinVar variation 1069415 (VCV001069415.7), dbSNP rs2134550787, ClinGen allele CA2499220003.
Genomic context (GRCh38, chr9:95,111,592, plus strand): 5'-CGTGGGGGGTTCGGCTGCCGACATCAGTAATTGCTCTGCCACCATCTCAGCCCATCCTCC[GA>G]AGTGAATGAACAGGAACCAGCTCTCAAAGGGACCTCCGCAGGACCTGGAACAGAGGCAGA-3'

ClinVar aggregate classification (germline): Pathogenic (1 of 4 stars; one submission).

Conditions:
Fanconi anemia (FA). Also called: Fanconi's anemia. Identifiers: Orphanet 84, MedGen C0015625, MeSH D005199, MONDO:0019391.

Submission:

Labcorp Genetics (formerly Invitae), Labcorp
Classification: Pathogenic for Fanconi anemia. Last evaluated: 2020-03-07. Review status: criteria provided, single submitter. Criteria: Invitae Variant Classification Sherloc (09022015). Collection method: clinical testing. Allele origin: germline.
Comment: This variant has not been reported in the literature in individuals with FANCC-related conditions. Loss-of-function variants in FANCC are known to be pathogenic (PMID: 17924555). For these reasons, this variant has been classified as Pathogenic. This variant is not present in population databases (ExAC no frequency). This sequence change creates a premature translational stop signal (p.Phe400Serfs*13) in the FANCC gene. It is expected to result in an absent or disrupted protein product.

Literature cited by the submitters: PubMed 17924555.